The following is an entry in ClinVar:

ClinVar aggregate classification (germline): Uncertain significance (1 of 4 stars; one submission).

Submission:

Ambry Genetics
Classification: Uncertain significance. Last evaluated: 2025-03-08. Review status: criteria provided, single submitter. Criteria: Ambry Variant Classification Scheme 2023. Collection method: clinical testing. Allele origin: germline.
Comment: The p.P1718R variant (also known as c.5153C>G), located in coding exon 22 of the WNK2 gene, results from a C to G substitution at nucleotide position 5153. The proline at codon 1718 is replaced by arginine, an amino acid with dissimilar properties. This amino acid position is conserved. In addition, this alteration is predicted to be tolerated by in silico analysis. Based on the available evidence, the clinical significance of this variant remains unclear.

NM_006648.4(WNK2):c.5153C>G (p.Pro1718Arg)

Gene: WNK2 (WNK lysine deficient protein kinase 2; plus strand). Cytogenetic location: 9q22.31.
Variant type: single nucleotide variant.
Coding change: c.5153C>G on transcript NM_006648.4 (MANE Select); coding-DNA position 5153, C replaced by G.
Protein change: p.Pro1718Arg; replaces proline 1718 with arginine.
Molecular consequence: missense variant.
Genome position (GRCh38, 1-based): chr9:93,292,618, C>G. VCF-style: chr9-93292618-C-G. GRCh37 (hg19) VCF-style: chr9-96054900-C-G.
Other names: c.5264C>G, p.Pro1755Arg (NM_001282394.3); short protein forms P1718R, P1755R.
Identifiers: ClinVar variation 3817233 (VCV003817233.1).